The following is an entry in ClinVar:

ClinVar aggregate classification (germline): Conflicting classifications of pathogenicity. Review status: criteria provided, conflicting classifications (1 of 4 stars). 5 submissions from 3 submitters: Uncertain significance (3); Likely benign (1). 1 of the submissions does not count toward it. Last evaluated 2025-10-31.

Conditions:
Usher syndrome type 1 (USH1). Also called: RETINITIS PIGMENTOSA AND CONGENITAL DEAFNESS. Identifiers: Orphanet 231169, Orphanet 886, MedGen C1568247, MONDO:0010168, OMIM 276900.
Autosomal dominant nonsyndromic hearing loss 11. Identifiers: Orphanet 90635, MedGen C1832475, MONDO:0011032, OMIM 601317.
Autosomal recessive nonsyndromic hearing loss 2. Also called: DEAFNESS, AUTOSOMAL RECESSIVE 2; NEUROSENSORY NONSYNDROMIC RECESSIVE DEAFNESS 2. Identifiers: Orphanet 90636, MedGen C1838701, MONDO:0010807, OMIM 600060.
MYO7A-related disorder. Also called: MYO7A-related disorders.

Allele frequency attached by ClinVar (database versions not stated): ExAC 0.00003.
gnomAD v4.1: 22 of 1,613,234 alleles (0.0014%); highest among the groups gnomAD compares: South Asian, 0.024%; no homozygotes.

Submissions (5):

Labcorp Genetics (formerly Invitae), Labcorp
Classification: Likely benign. Last evaluated: 2025-10-31. Review status: criteria provided, single submitter. Criteria: Invitae Variant Classification Sherloc (09022015). Collection method: clinical testing. Allele origin: germline.

Illumina Laboratory Services, Illumina
Classification: Uncertain significance for Autosomal dominant nonsyndromic hearing loss 11. Last evaluated: 2018-01-12. Review status: criteria provided, single submitter. Criteria: ICSL Variant Classification Criteria 13 December 2019. Collection method: clinical testing. Allele origin: germline.

Illumina Laboratory Services, Illumina
Classification: Uncertain significance for Autosomal recessive nonsyndromic hearing loss 2. Last evaluated: 2018-01-12. Review status: criteria provided, single submitter. Criteria: ICSL Variant Classification Criteria 13 December 2019. Collection method: clinical testing. Allele origin: germline.

Illumina Laboratory Services, Illumina
Classification: Uncertain significance for Usher syndrome type 1. Last evaluated: 2018-01-12. Review status: criteria provided, single submitter. Criteria: ICSL Variant Classification Criteria 13 December 2019. Collection method: clinical testing. Allele origin: germline.

PreventionGenetics, part of Exact Sciences
Classification: Likely benign for MYO7A-related condition. Last evaluated: 2019-12-09. Review status: no assertion criteria provided. Collection method: clinical testing. Allele origin: germline. Not counted in ClinVar's aggregate classification.
Comment: This variant is classified as likely benign based on ACMG/AMP sequence variant interpretation guidelines (Richards et al. 2015 PMID: 25741868, with internal and published modifications).

NM_000260.4(MYO7A):c.5589C>T (p.His1863=)

Gene: MYO7A (myosin VIIA; plus strand). Cytogenetic location: 11q13.5.
Variant type: single nucleotide variant.
Coding change: c.5589C>T on transcript NM_000260.4 (MANE Select); coding-DNA position 5589, C replaced by T.
Protein change: p.His1863=; no amino-acid change (histidine 1863 retained).
Molecular consequence: synonymous variant.
Genome position (GRCh38, 1-based): chr11:77,205,570, C>T. VCF-style: chr11-77205570-C-T. GRCh37 (hg19) VCF-style: chr11-76916615-C-T.
Other names: c.5475C>T, p.His1825= (NM_001127180.2); c.5442C>T, p.His1814= (NM_001369365.1).
Identifiers: ClinVar variation 884104 (VCV000884104.13), dbSNP rs727504024, ClinGen allele CA6198751.